The following is an entry in ClinVar:

NM_001556.3(IKBKB):c.2204C>A (p.Thr735Lys)

Gene: IKBKB (inhibitor of nuclear factor kappa B kinase subunit beta; plus strand). Cytogenetic location: 8p11.21.
Variant type: single nucleotide variant.
Coding change: c.2204C>A on transcript NM_001556.3 (MANE Select); coding-DNA position 2204, C replaced by A.
Protein change: p.Thr735Lys; replaces threonine 735 with lysine.
Molecular consequence: missense variant. On other transcripts: non-coding transcript variant (3).
Genome position (GRCh38, 1-based): chr8:42,329,213, C>A. VCF-style: chr8-42329213-C-A. GRCh37 (hg19) VCF-style: chr8-42186731-C-A.
Other names: c.2012C>A, p.Thr671Lys (NM_001190720.3); c.2027C>A, p.Thr676Lys (NM_001242778.2); short protein forms T676K, T735K, T671K.
Identifiers: ClinVar variation 852315 (VCV000852315.10), dbSNP rs555312351, ClinGen allele CA371094945.

ClinVar aggregate classification (germline): Uncertain significance (1 of 4 stars; one submission).

Conditions:
Severe combined immunodeficiency due to IKK2 deficiency. Also called: Immunodeficiency 15; IMMUNODEFICIENCY 15B. Identifiers: Orphanet 397787, MedGen C4747743, MONDO:0014267, OMIM 615592.

Submission:

Labcorp Genetics (formerly Invitae), Labcorp
Classification: Uncertain significance for Severe combined immunodeficiency due to IKK2 deficiency. Last evaluated: 2022-11-08. Review status: criteria provided, single submitter. Criteria: Invitae Variant Classification Sherloc (09022015). Collection method: clinical testing. Allele origin: germline.
Comment: This sequence change replaces threonine, which is neutral and polar, with lysine, which is basic and polar, at codon 735 of the IKBKB protein (p.Thr735Lys). In summary, the available evidence is currently insufficient to determine the role of this variant in disease. Therefore, it has been classified as a Variant of Uncertain Significance. Algorithms developed to predict the effect of sequence changes on RNA splicing suggest that this variant may disrupt the consensus splice site. Algorithms developed to predict the effect of missense changes on protein structure and function output the following: SIFT: "Tolerated"; PolyPhen-2: "Benign"; Align-GVGD: "Class C0". The lysine amino acid residue is found in multiple mammalian species, which suggests that this missense change does not adversely affect protein function. ClinVar contains an entry for this variant (Variation ID: 852315). This variant has not been reported in the literature in individuals affected with IKBKB-related conditions. This variant is not present in population databases (gnomAD no frequency).